The following is an entry in ClinVar:

NM_002471.4(MYH6):c.5090C>T (p.Thr1697Ile)

Genes: MYH6 (myosin heavy chain 6; minus strand), LOC126861896 (BRD4-independent group 4 enhancer GRCh37_chr14:23854904-23856103; plus strand). Cytogenetic location: 14q11.2.
Variant type: single nucleotide variant.
Coding change: c.5090C>T on transcript NM_002471.4 (MANE Select); coding-DNA position 5090, C replaced by T.
Protein change: p.Thr1697Ile; replaces threonine 1697 with isoleucine.
Molecular consequence: missense variant.
Genome position (GRCh38, 1-based): chr14:23,386,001, G>A on the plus strand (C>T on the coding strand, the complement: MYH6 is on the minus strand). VCF-style: chr14-23386001-G-A. GRCh37 (hg19) VCF-style: chr14-23855210-G-A.
Other names: short protein forms T1697I.
Identifiers: ClinVar variation 1745272 (VCV001745272.2), dbSNP rs1891006802, ClinGen allele CA388989763.

ClinVar aggregate classification (germline): Uncertain significance (1 of 4 stars; one submission).

Conditions:
Cardiovascular phenotype. Identifiers: MedGen CN230736.

Allele frequency attached by ClinVar (database versions not stated): gnomAD exomes below 0.00001.
gnomAD v4.1: 1 of 1,614,210 alleles (0.000062%); highest among the groups gnomAD compares: East Asian, 0.0022%; no homozygotes.

Submission:

Ambry Genetics
Classification: Uncertain significance for Cardiovascular phenotype. Last evaluated: 2022-06-06. Review status: criteria provided, single submitter. Criteria: Ambry Variant Classification Scheme 2023. Collection method: clinical testing. Allele origin: germline.
Comment: The p.T1697I variant (also known as c.5090C>T), located in coding exon 32 of the MYH6 gene, results from a C to T substitution at nucleotide position 5090. The threonine at codon 1697 is replaced by isoleucine, an amino acid with similar properties. This amino acid position is conserved. In addition, the in silico prediction for this alteration is inconclusive. Since supporting evidence is limited at this time, the clinical significance of this alteration remains unclear.